The following is an entry in ClinVar:

NM_001904.4(CTNNB1):c.2173G>A (p.Gly725Ser)

Gene: CTNNB1 (catenin beta 1; plus strand). Cytogenetic location: 3p22.1.
Variant type: single nucleotide variant.
Coding change: c.2173G>A on transcript NM_001904.4 (MANE Select); coding-DNA position 2173, G replaced by A.
Protein change: p.Gly725Ser; replaces glycine 725 with serine.
Molecular consequence: missense variant.
Genome position (GRCh38, 1-based): chr3:41,239,169, G>A. VCF-style: chr3-41239169-G-A. GRCh37 (hg19) VCF-style: chr3-41280660-G-A.
Other names: c.2173G>A, p.Gly725Ser (NM_001098209.2, NM_001098210.2); c.2152G>A, p.Gly718Ser (NM_001330729.2); short protein forms G718S, G725S.
Identifiers: ClinVar variation 2868835 (VCV002868835.3), dbSNP rs756875168, ClinGen allele CA2331307.
Genomic context (GRCh38, chr3:41,239,169, plus strand): 5'-TTTGTTGACACCCTGACTCTTCTAGATCCTAGCTATCGTTCTTTTCACTCTGGTGGATAT[G>A]GCCAGGATGCCTTGGGTATGGACCCCATGATGGAACATGAGATGGGTGGCCACCACCCTG-3'
Protein context (NP_001895.1, residues 715-735): SYRSFHSGGY[Gly725Ser]QDALGMDPMM

ClinVar aggregate classification (germline): Uncertain significance (1 of 4 stars; one submission).

Allele frequency attached by ClinVar (database versions not stated): gnomAD exomes below 0.00001; ExAC 0.00002.
gnomAD v4.1: 5 of 1,614,156 alleles (0.00031%); highest among the groups gnomAD compares: Admixed American, 0.0067%; no homozygotes.

Submission:

Labcorp Genetics (formerly Invitae), Labcorp
Classification: Uncertain significance. Last evaluated: 2024-06-22. Review status: criteria provided, single submitter. Criteria: Invitae Variant Classification Sherloc (09022015). Collection method: clinical testing. Allele origin: germline.
Comment: This sequence change replaces glycine, which is neutral and non-polar, with serine, which is neutral and polar, at codon 725 of the CTNNB1 protein (p.Gly725Ser). This variant is present in population databases (rs756875168, gnomAD 0.009%). This variant has not been reported in the literature in individuals affected with CTNNB1-related conditions. An algorithm developed to predict the effect of missense changes on protein structure and function (PolyPhen-2) suggests that this variant is likely to be tolerated. In summary, the available evidence is currently insufficient to determine the role of this variant in disease. Therefore, it has been classified as a Variant of Uncertain Significance.